The following is an entry in ClinVar:

NM_001184880.2(PCDH19):c.593G>C (p.Arg198Pro)

Gene: PCDH19 (protocadherin 19; minus strand). Cytogenetic location: Xq22.1.
Variant type: single nucleotide variant.
Coding change: c.593G>C on transcript NM_001184880.2 (MANE Select); coding-DNA position 593, G replaced by C.
Protein change: p.Arg198Pro; replaces arginine 198 with proline.
Molecular consequence: missense variant.
Genome position (GRCh38, 1-based): chrX:100,408,005, C>G on the plus strand (G>C on the coding strand, the complement: PCDH19 is on the minus strand). VCF-style: chrX-100408005-C-G. GRCh37 (hg19) VCF-style: chrX-99663003-C-G.
Other names: c.593G>C, p.Arg198Pro (NM_001105243.2, NM_020766.3); short protein forms R198P.
Identifiers: ClinVar variation 589914 (VCV000589914.5), dbSNP rs772837341, ClinGen allele CA414009140.

ClinVar aggregate classification (germline): Likely pathogenic (1 of 4 stars; one submission).

Conditions:
Inborn genetic diseases. Identifiers: MedGen C0950123, MeSH D030342.

Submission:

Ambry Genetics
Classification: Likely pathogenic for Inborn genetic diseases. Last evaluated: 2016-11-25. Review status: criteria provided, single submitter. Criteria: Ambry Variant Classification Scheme 2023. Collection method: clinical testing. Allele origin: germline.
Comment: The p.R198P variant (also known as c.593G>C), located in coding exon 1 of the PCDH19 gene, results from a G to C substitution at nucleotide position 593. The arginine at codon 198 is replaced by proline, an amino acid with dissimilar properties. This variant has been determined to be the result of a de novo mutation in one family with an isolated case of developmental delay and seizures. Based on our internal structural analysis, this arginine directly interacts with three adjacent amino acids, two of which coordinate Ca2+ binding, and this variant is anticipated to result in a decrease in structural stability. This amino acid position is highly conserved in available vertebrate species. In addition, this alteration is predicted to be deleterious by in silico analysis. Based on the majority of available evidence to date, this variant is likely to be pathogenic.

Literature cited by the submitters: PubMed 19214208; PubMed 23712037; PubMed 26765483.